The following is an entry in ClinVar:

NM_001042492.3(NF1):c.5013C>A (p.Tyr1671Ter)

Gene: NF1 (neurofibromin 1; plus strand). Cytogenetic location: 17q11.2.
Variant type: single nucleotide variant.
Coding change: c.5013C>A on transcript NM_001042492.3 (MANE Select); coding-DNA position 5013, C replaced by A.
Protein change: p.Tyr1671Ter; replaces tyrosine 1671 with a stop codon.
Molecular consequence: nonsense.
Genome position (GRCh38, 1-based): chr17:31,325,997, C>A. VCF-style: chr17-31325997-C-A. GRCh37 (hg19) VCF-style: chr17-29653015-C-A.
Other names: c.4950C>A, p.Tyr1650Ter (NM_000267.4); short protein forms Y1650*, Y1671*.
Identifiers: ClinVar variation 404434 (VCV000404434.11), dbSNP rs1060500255, ClinGen allele CA16615267.

ClinVar aggregate classification (germline): Pathogenic. Review status: criteria provided, multiple submitters, no conflicts (2 of 4 stars). 3 submissions from 3 submitters: Pathogenic (3). Last evaluated 2025-12-16.

Conditions:
Hereditary cancer-predisposing syndrome. Also called: Tumor predisposition; Neoplastic Syndromes, Hereditary; Hereditary Cancer Syndrome; Hereditary neoplastic syndrome. Identifiers: Orphanet 140162, MedGen C0027672, MeSH D009386, MONDO:0015356.
Cardiovascular phenotype. Identifiers: MedGen CN230736.
Neurofibromatosis, type 1 (NF1). Also called: Neurofibromatosis, type I; NEUROFIBROMATOSIS, TYPE I, SOMATIC; Peripheral type neurofibromatosis; VON RECKLINGHAUSEN DISEASE. Identifiers: Orphanet 636, MedGen C0027831, MONDO:0018975, OMIM 162200. Disease mechanism: loss of function.

Submissions (3):

Labcorp Genetics (formerly Invitae), Labcorp
Classification: Pathogenic for Neurofibromatosis, type 1. Last evaluated: 2025-12-16. Review status: criteria provided, single submitter. Criteria: Invitae Variant Classification Sherloc (09022015). Collection method: clinical testing. Allele origin: germline.
Comment: This sequence change creates a premature translational stop signal (p.Tyr1650*) in the NF1 gene. It is expected to result in an absent or disrupted protein product. Loss-of-function variants in NF1 are known to be pathogenic (PMID: 10712197, 23913538). This variant is not present in population databases (gnomAD no frequency). This premature translational stop signal has been observed in individuals with neurofibromatosis, type 1 (PMID: 15060124, 22108604, 22155606, 27999334). ClinVar contains an entry for this variant (Variation ID: 404434). For these reasons, this variant has been classified as Pathogenic.

Ambry Genetics
Classification: Pathogenic for Cardiovascular phenotype; Hereditary cancer-predisposing syndrome. Last evaluated: 2025-10-24. Review status: criteria provided, single submitter. Criteria: Ambry Variant Classification Scheme 2023. Collection method: clinical testing. Allele origin: germline.
Comment: The p.Y1650* pathogenic mutation (also known as c.4950C>A), located in coding exon 36 of the NF1 gene, results from a C to A substitution at nucleotide position 4950. This changes the amino acid from a tyrosine to a stop codon within coding exon 36. This variant was reported in individual(s) with features consistent with neurofibromatosis type 1 (Thomas L et al. Eur J Hum Genet. 2012 Apr;20:411-9; Ambry internal data). This variant is considered to be rare based on population cohorts in the Genome Aggregation Database (gnomAD). This alteration is expected to result in loss of function by premature protein truncation or nonsense-mediated mRNA decay. As such, this alteration is interpreted as a disease-causing mutation.

Neuberg Centre For Genomic Medicine, NCGM
Classification: Pathogenic for Neurofibromatosis, type 1. Last evaluated: 2023-05-20. Review status: criteria provided, single submitter. Criteria: ACMG Guidelines, 2015. Collection method: clinical testing. Allele origin: germline. Inheritance: Autosomal dominant inheritance. Affected: yes.
Comment: The stop gained c.5013C>A (p.Tyr1671Ter) variant in the NF1 gene has been been reported as a recurring pathogenic variant in several individuals affected with Neurofibromatosis Type 1 (Thomas, Laura et al., 2012). This variant is absent in the gnomAD. This variant has been reported to the ClinVar database as Pathogenic. Computational evidence (MutationTaster - Disease causing) predicts damaging effect on protein structure and function for this variant. Loss of function variants have been previously reported to be disease causing. For these reasons, this variant has been classified as Pathogenic.

Literature cited by the submitters: PubMed 10712197 (cited by Labcorp Genetics (formerly Invitae), Labcorp); PubMed 23913538 (cited by Labcorp Genetics (formerly Invitae), Labcorp); PubMed 15060124 (cited by Labcorp Genetics (formerly Invitae), Labcorp); PubMed 22108604 (cited by Labcorp Genetics (formerly Invitae), Labcorp and Ambry Genetics); PubMed 22155606 (cited by Labcorp Genetics (formerly Invitae), Labcorp); PubMed 27999334 (cited by Labcorp Genetics (formerly Invitae), Labcorp).